The following is an entry in ClinVar:

NM_006206.6(PDGFRA):c.2058G>C (p.Leu686Phe)

Gene: PDGFRA (platelet derived growth factor receptor alpha; plus strand). Cytogenetic location: 4q12.
Variant type: single nucleotide variant.
Coding change: c.2058G>C on transcript NM_006206.6 (MANE Select); coding-DNA position 2058, G replaced by C.
Protein change: p.Leu686Phe; replaces leucine 686 with phenylalanine.
Molecular consequence: missense variant.
Genome position (GRCh38, 1-based): chr4:54,278,417, G>C. VCF-style: chr4-54278417-G-C. GRCh37 (hg19) VCF-style: chr4-55144584-G-C.
Other names: c.2058G>C, p.Leu686Phe (NM_001347827.2, NM_001347829.2); c.2133G>C, p.Leu711Phe (NM_001347828.2); c.2097G>C, p.Leu699Phe (NM_001347830.2); short protein forms L699F, L711F, L686F.
Identifiers: ClinVar variation 1476026 (VCV001476026.8), dbSNP rs2110315566, ClinGen allele CA356893944.

ClinVar aggregate classification (germline): Uncertain significance (1 of 4 stars; one submission).

Conditions:
Gastrointestinal stromal tumor. Also called: Gastrointestinal stroma tumor; Gastrointestinal stromal tumor, somatic. Identifiers: Orphanet 44890, MedGen C0238198, MeSH D046152, MONDO:0011719, OMIM 606764, HP:0100723.

Submission:

Labcorp Genetics (formerly Invitae), Labcorp
Classification: Uncertain significance for Gastrointestinal stromal tumor. Last evaluated: 2021-01-30. Review status: criteria provided, single submitter. Criteria: Invitae Variant Classification Sherloc (09022015). Collection method: clinical testing. Allele origin: germline.
Comment: In summary, the available evidence is currently insufficient to determine the role of this variant in disease. Therefore, it has been classified as a Variant of Uncertain Significance. Algorithms developed to predict the effect of missense changes on protein structure and function are either unavailable or do not agree on the potential impact of this missense change (SIFT: "Deleterious"; PolyPhen-2: "Probably Damaging"; Align-GVGD: "Class C15"). This variant has not been reported in the literature in individuals with PDGFRA-related conditions. This variant is not present in population databases (ExAC no frequency). This sequence change replaces leucine with phenylalanine at codon 686 of the PDGFRA protein (p.Leu686Phe). The leucine residue is highly conserved and there is a small physicochemical difference between leucine and phenylalanine.